The following is an entry in ClinVar:

ClinVar aggregate classification (germline): Pathogenic (1 of 4 stars; one submission).

Submission:

Illumina Laboratory Services, Illumina
Classification: Pathogenic. Last evaluated: 2023-08-18. Review status: criteria provided, single submitter. Criteria: ICSL CNVClassificationCriteria Aug2020. Collection method: clinical testing. Allele origin: unknown.
Comment: This CNV is a 120 kb deletion of 2q13 on chromosome 2, seq[GRCh37]del(2)(q13), NC_000002.11:g.112687864_112808213del, which encompasses exons 3-19 of the MERTK gene and is predicted to disrupt the MERTK gene product. One of the breakpoints lies within intron 2 and the other in an intergenic region. Deletion of exons 3-19 has been reported in a homozygous state in an individual with cone-rod dystrophy (CRD) (PMID: 26103963). Additionally, this deletion is reported with a missense variant in an individual with retinal dystrophy, and with a splice region variant in an individual with retinitis pigmentosa (unconfirmed diagnosis). However, the phase of the variants identified in these individuals was not confirmed (PMID: 29074561; 32783370). Smaller deletions in this region have also been reported in individuals with retinopathies (PMID: 29659094). A similar deletion has been observed at a frequency of 0.001468 in the African/African American population of the Genome Aggregation Database (gnomAD SVs version 2.1). Based on the available evidence, this CNV is classified as pathogenic.

Single allele

Gene: MERTK (MER proto-oncogene, tyrosine kinase; plus strand). Cytogenetic location: 2q13.
Variant type: Deletion.
Identifiers: ClinVar variation 2671615 (VCV002671615.1).